The following is an entry in ClinVar:

ClinVar aggregate classification (germline): Likely benign. Review status: criteria provided, multiple submitters, no conflicts (2 of 4 stars). 2 submissions from 2 submitters: Likely benign (2). Last evaluated 2024-10-14.

Allele frequency attached by ClinVar (database versions not stated): ESP Exome Variant Server 0.00008; ExAC 0.00029; TOPMed 0.00029; gnomAD 0.00032; gnomAD exomes 0.00042.
gnomAD v4.1: 641 of 1,593,558 alleles (0.04%); highest among the groups gnomAD compares: Middle Eastern, 0.083%; no homozygotes.

Submissions (2):

Blueprint Genetics
Classification: Likely benign. Last evaluated: 2024-10-14. Review status: criteria provided, single submitter. Criteria: ACMG Guidelines, 2015. Collection method: clinical testing. Allele origin: germline.

CeGaT Center for Human Genetics Tuebingen
Classification: Likely benign. Last evaluated: 2022-04-01. Review status: criteria provided, single submitter. Criteria: CeGaT Center For Human Genetics Tuebingen Variant Classification Criteria Version 2. Collection method: clinical testing. Allele origin: germline. Affected: yes. Observed: 1 variant allele.
Comment: CAPN15: BP4, BP7

NM_005632.3(CAPN15):c.2331C>T (p.Tyr777=)

Gene: CAPN15 (calpain 15; plus strand). Cytogenetic location: 16p13.3.
Variant type: single nucleotide variant.
Coding change: c.2331C>T on transcript NM_005632.3 (MANE Select); coding-DNA position 2331, C replaced by T.
Protein change: p.Tyr777=; no amino-acid change (tyrosine 777 retained).
Molecular consequence: synonymous variant.
Genome position (GRCh38, 1-based): chr16:551,650, C>T. VCF-style: chr16-551650-C-T. GRCh37 (hg19) VCF-style: chr16-601650-C-T.
Identifiers: ClinVar variation 2645810 (VCV002645810.25), dbSNP rs139655944, ClinGen allele CA7778668.